The following is an entry in ClinVar:

NM_006567.5(FARS2):c.1271C>G (p.Thr424Ser)

Gene: FARS2 (phenylalanyl-tRNA synthetase 2, mitochondrial; plus strand). Cytogenetic location: 6p25.1.
Variant type: single nucleotide variant.
Coding change: c.1271C>G on transcript NM_006567.5 (MANE Select); coding-DNA position 1271, C replaced by G.
Protein change: p.Thr424Ser; replaces threonine 424 with serine.
Molecular consequence: missense variant.
Genome position (GRCh38, 1-based): chr6:5,771,344, C>G. VCF-style: chr6-5771344-C-G. GRCh37 (hg19) VCF-style: chr6-5771577-C-G.
Other names: c.1271C>G, p.Thr424Ser (NM_001318872.2, NM_001374875.1, NM_001374876.1 and 4 more transcripts); c.1139C>G, p.Thr380Ser (NM_001375258.1); c.575C>G, p.Thr192Ser (NM_001375259.1, NM_001375260.1); short protein forms T380S, T424S, T192S.
Identifiers: ClinVar variation 1968875 (VCV001968875.5), dbSNP rs2533575407, ClinGen allele CA362737349.

ClinVar aggregate classification (germline): Uncertain significance (1 of 4 stars; one submission).

Conditions:
Combined oxidative phosphorylation defect type 14. Also called: Combined oxidative phosphorylation deficiency 14. Identifiers: Orphanet 319519, MedGen C4755312, MONDO:0013986, OMIM 614946.

Submission:

Labcorp Genetics (formerly Invitae), Labcorp
Classification: Uncertain significance for Combined oxidative phosphorylation defect type 14. Last evaluated: 2022-08-18. Review status: criteria provided, single submitter. Criteria: Invitae Variant Classification Sherloc (09022015). Collection method: clinical testing. Allele origin: germline.
Comment: This variant is not present in population databases (gnomAD no frequency). This sequence change replaces threonine, which is neutral and polar, with serine, which is neutral and polar, at codon 424 of the FARS2 protein (p.Thr424Ser). This variant has not been reported in the literature in individuals affected with FARS2-related conditions. Algorithms developed to predict the effect of missense changes on protein structure and function (SIFT, PolyPhen-2, Align-GVGD) all suggest that this variant is likely to be tolerated. In summary, the available evidence is currently insufficient to determine the role of this variant in disease. Therefore, it has been classified as a Variant of Uncertain Significance.